The following is an entry in ClinVar:

NM_000081.4(LYST):c.1024G>A (p.Ala342Thr)

Gene: LYST (lysosomal trafficking regulator; minus strand). Cytogenetic location: 1q42.3.
Variant type: single nucleotide variant.
Coding change: c.1024G>A on transcript NM_000081.4 (MANE Select); coding-DNA position 1024, G replaced by A.
Protein change: p.Ala342Thr; replaces alanine 342 with threonine.
Molecular consequence: missense variant.
Genome position (GRCh38, 1-based): chr1:235,809,794, C>T on the plus strand (G>A on the coding strand, the complement: LYST is on the minus strand). VCF-style: chr1-235809794-C-T. GRCh37 (hg19) VCF-style: chr1-235973094-C-T.
Other names: c.1024G>A, p.Ala342Thr (NM_001301365.1); short protein forms A342T.
Identifiers: ClinVar variation 838339 (VCV000838339.8), dbSNP rs2527121543, ClinGen allele CA344963384.

ClinVar aggregate classification (germline): Uncertain significance (1 of 4 stars; one submission).

Conditions:
Chédiak-Higashi syndrome (CHS). Also called: Chediak-Higashi Syndrome. Identifiers: Orphanet 167, MedGen C0007965, MONDO:0008963, OMIM 214500.

Submission:

Labcorp Genetics (formerly Invitae), Labcorp
Classification: Uncertain significance for Chédiak-Higashi syndrome. Last evaluated: 2019-03-02. Review status: criteria provided, single submitter. Criteria: Invitae Variant Classification Sherloc (09022015). Collection method: clinical testing. Allele origin: germline.
Comment: This sequence change replaces alanine with threonine at codon 342 of the LYST protein (p.Ala342Thr). The alanine residue is moderately conserved and there is a small physicochemical difference between alanine and threonine. This variant is not present in population databases (ExAC no frequency). This variant has not been reported in the literature in individuals with LYST-related conditions. Algorithms developed to predict the effect of missense changes on protein structure and function output the following: SIFT: "Tolerated"; PolyPhen-2: "Benign"; Align-GVGD: "Class C0". The threonine amino acid residue is found in multiple mammalian species, suggesting that this missense change does not adversely affect protein function. These predictions have not been confirmed by published functional studies and their clinical significance is uncertain. In summary, the available evidence is currently insufficient to determine the role of this variant in disease. Therefore, it has been classified as a Variant of Uncertain Significance.